The following is an entry in ClinVar:

NM_033004.4(NLRP1):c.1832A>G (p.Gln611Arg)

Gene: NLRP1 (NLR family pyrin domain containing 1; minus strand). Cytogenetic location: 17p13.2.
Variant type: single nucleotide variant.
Coding change: c.1832A>G on transcript NM_033004.4 (MANE Select); coding-DNA position 1832, A replaced by G.
Protein change: p.Gln611Arg; replaces glutamine 611 with arginine.
Molecular consequence: missense variant.
Genome position (GRCh38, 1-based): chr17:5,558,864, T>C on the plus strand (A>G on the coding strand, the complement: NLRP1 is on the minus strand). VCF-style: chr17-5558864-T-C. GRCh37 (hg19) VCF-style: chr17-5462184-T-C.
Other names: c.1832A>G, p.Gln611Arg (NM_001033053.3, NM_014922.5, NM_033006.4 and 1 more transcripts); short protein forms Q611R.
Identifiers: ClinVar variation 1345746 (VCV001345746.8), dbSNP rs1914413488, ClinGen allele CA397384407.

ClinVar aggregate classification (germline): Uncertain significance (1 of 4 stars; one submission).

Allele frequency attached by ClinVar (database versions not stated): TOPMed 0.00001.

Submission:

Labcorp Genetics (formerly Invitae), Labcorp
Classification: Uncertain significance. Last evaluated: 2023-10-03. Review status: criteria provided, single submitter. Criteria: Invitae Variant Classification Sherloc (09022015). Collection method: clinical testing. Allele origin: germline.
Comment: This sequence change replaces glutamine, which is neutral and polar, with arginine, which is basic and polar, at codon 611 of the NLRP1 protein (p.Gln611Arg). This variant is not present in population databases (gnomAD no frequency). This variant has not been reported in the literature in individuals affected with NLRP1-related conditions. ClinVar contains an entry for this variant (Variation ID: 1345746). Algorithms developed to predict the effect of missense changes on protein structure and function output the following: SIFT: "Not Available"; PolyPhen-2: "Benign"; Align-GVGD: "Not Available". The arginine amino acid residue is found in multiple mammalian species, which suggests that this missense change does not adversely affect protein function. In summary, the available evidence is currently insufficient to determine the role of this variant in disease. Therefore, it has been classified as a Variant of Uncertain Significance.